The following is an entry in ClinVar:

ClinVar aggregate classification (germline): Likely pathogenic (1 of 4 stars; one submission).

Conditions:
Charcot-Marie-Tooth disease type 4C (CMT4C). Also called: CHARCOT-MARIE-TOOTH DISEASE, DEMYELINATING, AUTOSOMAL RECESSIVE, TYPE 4C; CMT 4C; Charcot-Marie-Tooth Neuropathy Type 4C (CMT4C); CHARCOT-MARIE-TOOTH DISEASE, DEMYELINATING, TYPE 4C; SH3TC2-Related Hereditary Motor and Sensory Neuropathy. Identifiers: Orphanet 99949, MedGen C1866636, MONDO:0011113, OMIM 601596.

gnomAD v4.1: 1 of 1,613,242 alleles (0.000062%); highest among the groups gnomAD compares: Non-Finnish European, 0.000085%; no homozygotes.

Submission:

DNA-diagnostics Laboratory, Research Centre For Medical Genetics
Classification: Likely pathogenic for Charcot-Marie-Tooth disease type 4C. Last evaluated: 2023-11-07. Review status: criteria provided, single submitter. Criteria: ACMG Guidelines, 2015. Collection method: clinical testing. Allele origin: maternal. Inheritance: Autosomal recessive inheritance. Affected: yes. Observed: 1 compound heterozygote.

NM_024577.4(SH3TC2):c.1252C>T (p.Gln418Ter)

Gene: SH3TC2 (SH3 domain and tetratricopeptide repeats 2; minus strand). Cytogenetic location: 5q32.
Variant type: single nucleotide variant.
Coding change: c.1252C>T on transcript NM_024577.4 (MANE Select); coding-DNA position 1252, C replaced by T.
Protein change: p.Gln418Ter; replaces glutamine 418 with a stop codon.
Molecular consequence: nonsense.
Genome position (GRCh38, 1-based): chr5:149,028,480, G>A on the plus strand (C>T on the coding strand, the complement: SH3TC2 is on the minus strand). VCF-style: chr5-149028480-G-A. GRCh37 (hg19) VCF-style: chr5-148408043-G-A.
Other names: short protein forms Q418*.
Identifiers: ClinVar variation 3235093 (VCV003235093.2), dbSNP rs929383309, ClinGen allele CA128988613.
Genomic context (GRCh38, chr5:149,028,480, plus strand): 5'-TGTCTGAGGTGGCCGAGAGGAGCTCCTCCTCCAGGCTGGAGTCCTCAGAGCTGCTGGACT[G>A]TCTGGACCCCACGGCCTGATGCTCCTCCCAGGCTCTGCCAGGCCTGACCTCCTTGAAACC-3'